The following is an entry in ClinVar:

ClinVar aggregate classification (germline): Uncertain significance (1 of 4 stars; one submission).

Allele frequency attached by ClinVar (database versions not stated): gnomAD exomes below 0.00001; TOPMed below 0.00001.
gnomAD v4.1: 6 of 1,612,854 alleles (0.00037%); highest among the groups gnomAD compares: Non-Finnish European, 0.00051%; no homozygotes.

Submission:

GeneDx
Classification: Uncertain significance. Last evaluated: 2022-11-02. Review status: criteria provided, single submitter. Criteria: GeneDx Variant Classification Process June 2021. Collection method: clinical testing. Allele origin: germline. Affected: yes.
Comment: Not observed at significant frequency in large population cohorts (gnomAD); In silico analysis supports that this missense variant does not alter protein structure/function; Has not been previously published as pathogenic or benign to our knowledge; Reported using an alternate transcript of the gene

NM_001377265.1(MAPT):c.965A>G (p.Gln322Arg)

Gene: MAPT (microtubule associated protein tau). Cytogenetic location: 17q21.31.
Variant type: single nucleotide variant.
Coding change: c.965A>G on transcript NM_001377265.1 (MANE Select); coding-DNA position 965, A replaced by G.
Protein change: p.Gln322Arg; replaces glutamine 322 with arginine.
Molecular consequence: missense variant. On other transcripts: intron variant (8).
Genome position (GRCh38, 1-based): chr17:45,983,544, A>G. VCF-style: chr17-45983544-A-G. GRCh37 (hg19) VCF-style: chr17-44060910-A-G.
Other names: c.740A>G, p.Gln247Arg (NM_001123066.4, NM_016835.5); c.965A>G, p.Gln322Arg (NM_001377266.1); c.200-3496A>G (NM_001377268.1, NM_016834.5, NM_016841.5); c.374-3496A>G (NM_005910.6, NM_001203252.2); c.287-3496A>G (NM_001123067.4, NM_001203251.2, NM_001377267.1); short protein forms Q247R, Q322R.
Identifiers: ClinVar variation 2501455 (VCV002501455.1), dbSNP rs1445259158, ClinGen allele CA400324074.